The following is an entry in ClinVar:

NM_013372.7(GREM1):c.161G>A (p.Gly54Asp)

Gene: GREM1 (gremlin 1, DAN family BMP antagonist; plus strand). Cytogenetic location: 15q13.3.
Variant type: single nucleotide variant.
Coding change: c.161G>A on transcript NM_013372.7 (MANE Select); coding-DNA position 161, G replaced by A.
Protein change: p.Gly54Asp; replaces glycine 54 with aspartic acid.
Molecular consequence: missense variant. On other transcripts: intron variant (2).
Genome position (GRCh38, 1-based): chr15:32,730,851, G>A. VCF-style: chr15-32730851-G-A. GRCh37 (hg19) VCF-style: chr15-33023052-G-A.
Other names: c.161G>A, p.Gly54Asp (NM_001368719.1); c.114+47G>A (NM_001191323.2); c.28-77G>A (NM_001191322.2); short protein forms G54D.
Identifiers: ClinVar variation 3226250 (VCV003226250.2), dbSNP rs2548707541, ClinGen allele CA391557316.

ClinVar aggregate classification (germline): Uncertain significance (1 of 4 stars; one submission).

Conditions:
Hereditary cancer-predisposing syndrome. Also called: Neoplastic Syndromes, Hereditary; Tumor predisposition; Hereditary neoplastic syndrome; Hereditary Cancer Syndrome. Identifiers: Orphanet 140162, MedGen C0027672, MeSH D009386, MONDO:0015356.

Allele frequency attached by ClinVar (database versions not stated): gnomAD exomes below 0.00001.
gnomAD v4.1: 1 of 1,613,736 alleles (0.000062%); highest among the groups gnomAD compares: Non-Finnish European, 0.000085%; no homozygotes.

Submission:

Ambry Genetics
Classification: Uncertain significance for Hereditary cancer-predisposing syndrome. Last evaluated: 2025-12-02. Review status: criteria provided, single submitter. Criteria: Ambry Variant Classification Scheme 2023. Collection method: clinical testing. Allele origin: germline.
Comment: The p.G54D variant (also known as c.161G>A), located in coding exon 1 of the GREM1 gene, results from a G to A substitution at nucleotide position 161. The glycine at codon 54 is replaced by aspartic acid, an amino acid with similar properties. This amino acid position is conserved. In addition, the in silico prediction for this alteration is inconclusive. Since supporting evidence is limited at this time, the clinical significance of this alteration remains unclear.